The following is an entry in ClinVar:

ClinVar aggregate classification (germline): Uncertain significance. Review status: criteria provided, multiple submitters, no conflicts (2 of 4 stars). 2 submissions from 2 submitters: Uncertain significance (2). Last evaluated 2024-10-24.

Conditions:
Inborn genetic diseases. Identifiers: MedGen C0950123, MeSH D030342.

Allele frequency attached by ClinVar (database versions not stated): ExAC 0.00001; gnomAD 0.00003; gnomAD exomes 0.00003 and 0.00004; TOPMed 0.00003.
gnomAD v4.1: 56 of 1,613,480 alleles (0.0035%); highest among the groups gnomAD compares: Non-Finnish European, 0.0045%; no homozygotes.

Submissions (2):

Ambry Genetics
Classification: Uncertain significance for Inborn genetic diseases. Last evaluated: 2024-10-24. Review status: criteria provided, single submitter. Criteria: Ambry Variant Classification Scheme 2023. Collection method: clinical testing. Allele origin: germline.

Labcorp Genetics (formerly Invitae), Labcorp
Classification: Uncertain significance. Last evaluated: 2021-11-11. Review status: criteria provided, single submitter. Criteria: Invitae Variant Classification Sherloc (09022015). Collection method: clinical testing. Allele origin: germline.
Comment: This sequence change replaces glutamic acid, which is acidic and polar, with glutamine, which is neutral and polar, at codon 502 of the ORC1 protein (p.Glu502Gln). This variant is present in population databases (rs753457975, gnomAD 0.009%). This variant has not been reported in the literature in individuals affected with ORC1-related conditions. Algorithms developed to predict the effect of missense changes on protein structure and function output the following: SIFT: "Tolerated"; PolyPhen-2: "Benign"; Align-GVGD: "Class C0". The glutamine amino acid residue is found in multiple mammalian species, which suggests that this missense change does not adversely affect protein function. In summary, the available evidence is currently insufficient to determine the role of this variant in disease. Therefore, it has been classified as a Variant of Uncertain Significance.

NM_004153.4(ORC1):c.1504G>C (p.Glu502Gln)

Gene: ORC1 (origin recognition complex subunit 1; minus strand). Cytogenetic location: 1p32.3.
Variant type: single nucleotide variant.
Coding change: c.1504G>C on transcript NM_004153.4 (MANE Select); coding-DNA position 1504, G replaced by C.
Protein change: p.Glu502Gln; replaces glutamic acid 502 with glutamine.
Molecular consequence: missense variant.
Genome position (GRCh38, 1-based): chr1:52,385,240, C>G on the plus strand (G>C on the coding strand, the complement: ORC1 is on the minus strand). VCF-style: chr1-52385240-C-G. GRCh37 (hg19) VCF-style: chr1-52850912-C-G.
Other names: c.1504G>C, p.Glu502Gln (NM_001190818.2); c.1489G>C, p.Glu497Gln (NM_001190819.2); c.1504G>C (NM_004153.3); short protein forms E497Q, E502Q.
Identifiers: ClinVar variation 1345063 (VCV001345063.4), dbSNP rs753457975, ClinGen allele CA853299.